The following is an entry in ClinVar:

ClinVar aggregate classification (germline): Likely pathogenic (1 of 4 stars; one submission).

Conditions:
Sulfite oxidase deficiency. Also called: Isolated sulfite oxidase deficiency. Identifiers: Orphanet 833, Orphanet 99731, MedGen C0268624, MONDO:0010089, OMIM 272300, HP:0003643.

Allele frequency attached by ClinVar (database versions not stated): gnomAD exomes below 0.00001.

Submission:

Labcorp Genetics (formerly Invitae), Labcorp
Classification: Likely pathogenic for Sulfite oxidase deficiency. Last evaluated: 2025-10-01. Review status: criteria provided, single submitter. Criteria: Invitae Variant Classification Sherloc (09022015). Collection method: clinical testing. Allele origin: germline.
Comment: This sequence change replaces arginine, which is basic and polar, with tryptophan, which is neutral and slightly polar, at codon 459 of the SUOX protein (p.Arg459Trp). This variant is present in population databases (no rsID available, gnomAD 0.003%). This variant has not been reported in the literature in individuals affected with SUOX-related conditions. ClinVar contains an entry for this variant (Variation ID: 1433216). Invitae Evidence Modeling of protein sequence and biophysical properties (such as structural, functional, and spatial information, amino acid conservation, physicochemical variation, residue mobility, and thermodynamic stability) indicates that this missense variant is expected to disrupt SUOX protein function with a positive predictive value of 95%. This variant disrupts the p.Arg459 amino acid residue in SUOX. Other variant(s) that disrupt this residue have been determined to be pathogenic (PMID: 31870341). This suggests that this residue is clinically significant, and that variants that disrupt this residue are likely to be disease-causing. In summary, the currently available evidence indicates that the variant is pathogenic, but additional data are needed to prove that conclusively. Therefore, this variant has been classified as Likely Pathogenic.

Literature cited by the submitters: PubMed 31870341.

NM_001032386.2(SUOX):c.1375C>T (p.Arg459Trp)

Gene: SUOX (sulfite oxidase; plus strand). Cytogenetic location: 12q13.2.
Variant type: single nucleotide variant.
Coding change: c.1375C>T on transcript NM_001032386.2 (MANE Select); coding-DNA position 1375, C replaced by T.
Protein change: p.Arg459Trp; replaces arginine 459 with tryptophan.
Molecular consequence: missense variant.
Genome position (GRCh38, 1-based): chr12:56,004,764, C>T. VCF-style: chr12-56004764-C-T. GRCh37 (hg19) VCF-style: chr12-56398548-C-T.
Other names: c.1375C>T, p.Arg459Trp (NM_000456.3, NM_001032387.2); short protein forms R459W.
Identifiers: ClinVar variation 1433216 (VCV001433216.7), dbSNP rs1478487771, ClinGen allele CA385294094.